The following is an entry in ClinVar:

NC_000017.10:g.(?_76109229)_(76127838_?)dup

Genes: TMC6 (transmembrane channel like 6; minus strand), TMC8 (transmembrane channel like 8; plus strand). Cytogenetic location: 17q25.3.
Variant type: Duplication.
Identifiers: ClinVar variation 1411624 (VCV001411624.5).

ClinVar aggregate classification (germline): Uncertain significance (1 of 4 stars; one submission).

Conditions:
Epidermodysplasia verruciformis. Identifiers: Orphanet 302, MedGen C0014522, MONDO:0009176.

Submission:

Labcorp Genetics (formerly Invitae), Labcorp
Classification: Uncertain significance for Epidermodysplasia verruciformis. Last evaluated: 2021-03-27. Review status: criteria provided, single submitter. Criteria: Invitae Variant Classification Sherloc (09022015). Collection method: clinical testing. Allele origin: germline.
Comment: In summary, the available evidence is currently insufficient to determine the role of this variant in disease. Therefore, it has been classified as a Variant of Uncertain Significance. Experimental studies and prediction algorithms are not available or were not evaluated, and the functional significance of this variant is currently unknown. This variant has not been reported in the literature in individuals with TMC6-related conditions. A copy number gain of the genomic region encompassing the full coding sequence of the TMC6 gene has been identified. The boundaries of this event are unknown as they extend beyond the assayed region for this gene and therefore may encompass additional genes. As the precise location of this event is unknown, it may be in tandem or it may be located elsewhere in the genome.